The following is an entry in ClinVar:

NM_005120.3(MED12):c.1965C>G (p.Ser655Arg)

Gene: MED12 (mediator complex subunit 12; plus strand). Cytogenetic location: Xq13.1.
Variant type: single nucleotide variant.
Coding change: c.1965C>G on transcript NM_005120.3 (MANE Select); coding-DNA position 1965, C replaced by G.
Protein change: p.Ser655Arg; replaces serine 655 with arginine.
Molecular consequence: missense variant.
Genome position (GRCh38, 1-based): chrX:71,124,379, C>G. VCF-style: chrX-71124379-C-G. GRCh37 (hg19) VCF-style: chrX-70344229-C-G.
Other names: short protein forms S655R.
Identifiers: ClinVar variation 2881453 (VCV002881453.3), dbSNP rs2519675762, ClinGen allele CA413510208.

ClinVar aggregate classification (germline): Uncertain significance (1 of 4 stars; one submission).

Conditions:
FG syndrome (FGS). Identifiers: MedGen C0220769, MONDO:0002010.

Submission:

Labcorp Genetics (formerly Invitae), Labcorp
Classification: Uncertain significance for FG syndrome. Last evaluated: 2023-12-23. Review status: criteria provided, single submitter. Criteria: Invitae Variant Classification Sherloc (09022015). Collection method: clinical testing. Allele origin: germline.
Comment: This sequence change replaces serine, which is neutral and polar, with arginine, which is basic and polar, at codon 655 of the MED12 protein (p.Ser655Arg). This variant is not present in population databases (gnomAD no frequency). This variant has not been reported in the literature in individuals affected with MED12-related conditions. Advanced modeling of protein sequence and biophysical properties (such as structural, functional, and spatial information, amino acid conservation, physicochemical variation, residue mobility, and thermodynamic stability) performed at Invitae indicates that this missense variant is not expected to disrupt MED12 protein function with a negative predictive value of 95%. In summary, the available evidence is currently insufficient to determine the role of this variant in disease. Therefore, it has been classified as a Variant of Uncertain Significance.